The following is an entry in ClinVar:

NM_006531.5(IFT88):c.166A>C (p.Ile56Leu)

Gene: IFT88 (intraflagellar transport 88; plus strand). Cytogenetic location: 13q12.11.
Variant type: single nucleotide variant.
Coding change: c.166A>C on transcript NM_006531.5 (MANE Select); coding-DNA position 166, A replaced by C.
Protein change: p.Ile56Leu; replaces isoleucine 56 with leucine.
Molecular consequence: missense variant. On other transcripts: 5 prime UTR variant (1), non-coding transcript variant (3), intron variant (4).
Genome position (GRCh38, 1-based): chr13:20,589,823, A>C. VCF-style: chr13-20589823-A-C. GRCh37 (hg19) VCF-style: chr13-21163962-A-C.
Other names: c.193A>C, p.Ile65Leu (NM_001318493.2, NM_001353565.2, NM_001353566.2 and 6 more transcripts); c.166A>C, p.Ile56Leu (NM_001353568.2, NM_001353571.2, NM_001353572.2 and 1 more transcripts); c.-398A>C (NM_001353579.2); c.154-1144A>C (NM_001353575.2, NM_001318491.2, NM_001353573.2 and 1 more transcripts); short protein forms I56L, I65L.
Identifiers: ClinVar variation 4761230 (VCV004761230.1).

ClinVar aggregate classification (germline): Uncertain significance (1 of 4 stars; one submission).

gnomAD v4.1: 1 of 1,599,724 alleles (0.000063%); no homozygotes.

Submission:

Labcorp Genetics (formerly Invitae), Labcorp
Classification: Uncertain significance. Last evaluated: 2025-11-08. Review status: criteria provided, single submitter. Criteria: Invitae Variant Classification Sherloc (09022015). Collection method: clinical testing. Allele origin: germline.
Comment: This sequence change replaces isoleucine, which is neutral and non-polar, with leucine, which is neutral and non-polar, at codon 65 of the IFT88 protein (p.Ile65Leu). This variant is not present in population databases (gnomAD no frequency). This variant has not been reported in the literature in individuals affected with IFT88-related conditions. An algorithm developed to predict the effect of missense changes on protein structure and function (PolyPhen-2) suggests that this variant is likely to be tolerated. In summary, the available evidence is currently insufficient to determine the role of this variant in disease. Therefore, it has been classified as a Variant of Uncertain Significance.